The following is an entry in ClinVar:

NM_001361.5(DHODH):c.624G>C (p.Leu208=)

Gene: DHODH (dihydroorotate dehydrogenase (quinone); plus strand). Cytogenetic location: 16q22.2.
Variant type: single nucleotide variant.
Coding change: c.624G>C on transcript NM_001361.5 (MANE Select); coding-DNA position 624, G replaced by C.
Protein change: p.Leu208=; no amino-acid change (leucine 208 retained).
Molecular consequence: synonymous variant.
Genome position (GRCh38, 1-based): chr16:72,021,230, G>C. VCF-style: chr16-72021230-G-C. GRCh37 (hg19) VCF-style: chr16-72055129-G-C.
Identifiers: ClinVar variation 4998101 (VCV004998101.1).

ClinVar aggregate classification (germline): Likely benign (1 of 4 stars; one submission).

Conditions:
DHODH-related disorder. Also called: DHODH-related condition.

gnomAD v4.1: 26 of 1,612,778 alleles (0.0016%); highest among the groups gnomAD compares: Admixed American, 0.0084%; no homozygotes.

Submission:

PreventionGenetics, part of Exact Sciences
Classification: Likely benign for DHODH-related condition. Last evaluated: 2026-07-31. Review status: criteria provided, single submitter. Criteria: ACMG Guidelines, 2015. Collection method: clinical testing. Allele origin: germline.
Comment: This variant is classified as likely benign based on ACMG/AMP sequence variant interpretation guidelines (Richards et al. 2015 PMID: 25741868, with internal and published modifications).